The following is an entry in ClinVar:

ClinVar aggregate classification (germline): Uncertain significance. Review status: criteria provided, multiple submitters, no conflicts (2 of 4 stars). 2 submissions from 2 submitters: Uncertain significance (2). Last evaluated 2025-12-26.

Conditions:
Hereditary cancer-predisposing syndrome. Also called: Hereditary Cancer Syndrome; Tumor predisposition; Neoplastic Syndromes, Hereditary; Hereditary neoplastic syndrome. Identifiers: Orphanet 140162, MedGen C0027672, MeSH D009386, MONDO:0015356.

Submissions (2):

Labcorp Genetics (formerly Invitae), Labcorp
Classification: Uncertain significance. Last evaluated: 2025-12-26. Review status: criteria provided, single submitter. Criteria: Invitae Variant Classification Sherloc (09022015). Collection method: clinical testing. Allele origin: germline.
Comment: This sequence change replaces cysteine, which is neutral and slightly polar, with serine, which is neutral and polar, at codon 461 of the CTNNA1 protein (p.Cys461Ser). This variant is not present in population databases (gnomAD no frequency). This variant has not been reported in the literature in individuals affected with CTNNA1-related conditions. ClinVar contains an entry for this variant (Variation ID: 1015110). Invitae Evidence Modeling of protein sequence and biophysical properties (such as structural, functional, and spatial information, amino acid conservation, physicochemical variation, residue mobility, and thermodynamic stability) indicates that this missense variant is not expected to disrupt CTNNA1 protein function with a negative predictive value of 80%. In summary, the available evidence is currently insufficient to determine the role of this variant in disease. Therefore, it has been classified as a Variant of Uncertain Significance.

Ambry Genetics
Classification: Uncertain significance for Hereditary cancer-predisposing syndrome. Last evaluated: 2025-04-04. Review status: criteria provided, single submitter. Criteria: Ambry Variant Classification Scheme 2023. Collection method: clinical testing. Allele origin: germline.
Comment: The p.C461S variant (also known as c.1382G>C), located in coding exon 9 of the CTNNA1 gene, results from a G to C substitution at nucleotide position 1382. The cysteine at codon 461 is replaced by serine, an amino acid with dissimilar properties. This amino acid position is conserved. In addition, this alteration is predicted to be deleterious by in silico analysis. Based on the available evidence, the clinical significance of this variant remains unclear.

NM_001903.5(CTNNA1):c.1382G>C (p.Cys461Ser)

Gene: CTNNA1 (catenin alpha 1; plus strand). Cytogenetic location: 5q31.2.
Variant type: single nucleotide variant.
Coding change: c.1382G>C on transcript NM_001903.5 (MANE Select); coding-DNA position 1382, G replaced by C.
Protein change: p.Cys461Ser; replaces cysteine 461 with serine.
Molecular consequence: missense variant. On other transcripts: 5 prime UTR variant (4), intron variant (3).
Genome position (GRCh38, 1-based): chr5:138,904,434, G>C. VCF-style: chr5-138904434-G-C. GRCh37 (hg19) VCF-style: chr5-138240123-G-C.
Other names: c.1382G>C, p.Cys461Ser (NM_001290307.3, NM_001323982.2, NM_001323983.1 and 2 more transcripts); c.1073G>C, p.Cys358Ser (NM_001290309.3); c.1013G>C, p.Cys338Ser (NM_001290310.3); c.272G>C, p.Cys91Ser (NM_001290312.1, NM_001323987.1, NM_001323988.1 and 17 more transcripts); c.-126G>C (NM_001324006.1, NM_001324007.1, NM_001324008.1 and 1 more transcripts); c.29G>C, p.Cys10Ser (NM_001324012.1, NM_001324013.1); c.1297-13308G>C (NM_001323986.2); c.187-13308G>C (NM_001324011.1); and 1 more; short protein forms C10S, C338S, C358S, C461S, C91S.
Identifiers: ClinVar variation 1015110 (VCV001015110.10), dbSNP rs1758725828, ClinGen allele CA361136043.